The following is an entry in ClinVar:

NM_152564.5(VPS13B):c.11293A>C (p.Lys3765Gln)

Gene: VPS13B (vacuolar protein sorting 13 homolog B; plus strand). Cytogenetic location: 8q22.2.
Variant type: single nucleotide variant.
Coding change: c.11293A>C on transcript NM_152564.5 (MANE Select); coding-DNA position 11293, A replaced by C.
Protein change: p.Lys3765Gln; replaces lysine 3765 with glutamine.
Molecular consequence: missense variant.
Genome position (GRCh38, 1-based): chr8:99,868,366, A>C. VCF-style: chr8-99868366-A-C. GRCh37 (hg19) VCF-style: chr8-100880594-A-C.
Other names: c.11368A>C, p.Lys3790Gln (NM_017890.5); short protein forms K3765Q, K3790Q.
Identifiers: ClinVar variation 3348605 (VCV003348605.1).
Genomic context (GRCh38, chr8:99,868,366, plus strand): 5'-GTTGATCAGCCGATGCAGAACTTCCAGAAAACATCTGAGGCACAGGCTTCAGCAGGACAC[A>C]AGGCCAAGGGTGTCATCTCGGGTGTGGGGAAAGGAATCATGGGGGTGTTCACAAAGCCCA-3'
Protein context (NP_689777.3, residues 3755-3775): TSEAQASAGH[Lys3765Gln]AKGVISGVGK

ClinVar aggregate classification (germline): Uncertain significance (0 of 4 stars; one submission).

Conditions:
VPS13B-related disorder. Also called: VPS13B-related condition.

Submission:

PreventionGenetics, part of Exact Sciences
Classification: Uncertain significance for VPS13B-related condition. Last evaluated: 2023-12-15. Review status: no assertion criteria provided. Collection method: clinical testing. Allele origin: germline.
Comment: The VPS13B c.11293A>C variant is predicted to result in the amino acid substitution p.Lys3765Gln. To our knowledge, this variant has not been reported in the literature or in a large population database, indicating this variant is rare. At this time, the clinical significance of this variant is uncertain due to the absence of conclusive functional and genetic evidence.